The following is an entry in ClinVar:

ClinVar aggregate classification (germline): Uncertain significance (1 of 4 stars; one submission).

Submission:

GeneDx
Classification: Uncertain significance. Last evaluated: 2025-02-05. Review status: criteria provided, single submitter. Criteria: GeneDx Variant Classification Process June 2021. Collection method: clinical testing. Allele origin: germline. Affected: yes.
Comment: Has not been previously published as pathogenic or benign to our knowledge; In silico analysis supports that this missense variant has a deleterious effect on protein structure/function; Not observed at significant frequency in large population cohorts (gnomAD)

NM_024408.4(NOTCH2):c.6041T>C (p.Leu2014Pro)

Gene: NOTCH2 (notch receptor 2; minus strand). Cytogenetic location: 1p12.
Variant type: single nucleotide variant.
Coding change: c.6041T>C on transcript NM_024408.4 (MANE Select); coding-DNA position 6041, T replaced by C.
Protein change: p.Leu2014Pro; replaces leucine 2014 with proline.
Molecular consequence: missense variant.
Genome position (GRCh38, 1-based): chr1:119,916,681, A>G on the plus strand (T>C on the coding strand, the complement: NOTCH2 is on the minus strand). VCF-style: chr1-119916681-A-G. GRCh37 (hg19) VCF-style: chr1-120459304-A-G.
Other names: short protein forms L2014P.
Identifiers: ClinVar variation 4074651 (VCV004074651.1).